The following is an entry in ClinVar:

ClinVar aggregate classification (germline): Likely benign (0 of 4 stars; one submission).

Conditions:
SEMA3D-related disorder. Also called: SEMA3D-related condition.

Allele frequency attached by ClinVar (database versions not stated): gnomAD 0.00001; gnomAD exomes 0.00002; TOPMed 0.00002; ExAC 0.00003; ESP Exome Variant Server 0.00008.
gnomAD v4.1: 26 of 1,610,964 alleles (0.0016%); highest among the groups gnomAD compares: Admixed American, 0.0017%; no homozygotes.

Submission:

PreventionGenetics, part of Exact Sciences
Classification: Likely benign for SEMA3D-related condition. Last evaluated: 2022-01-04. Review status: no assertion criteria provided. Collection method: clinical testing. Allele origin: germline.
Comment: This variant is classified as likely benign based on ACMG/AMP sequence variant interpretation guidelines (Richards et al. 2015 PMID: 25741868, with internal and published modifications).

NM_001384900.1(SEMA3D):c.459A>G (p.Pro153=)

Gene: SEMA3D (semaphorin 3D; minus strand). Cytogenetic location: 7q21.11.
Variant type: single nucleotide variant.
Coding change: c.459A>G on transcript NM_001384900.1 (MANE Select); coding-DNA position 459, A replaced by G.
Protein change: p.Pro153=; no amino-acid change (proline 153 retained).
Molecular consequence: synonymous variant.
Genome position (GRCh38, 1-based): chr7:85,072,998, T>C on the plus strand (A>G on the coding strand, the complement: SEMA3D is on the minus strand). VCF-style: chr7-85072998-T-C. GRCh37 (hg19) VCF-style: chr7-84702314-T-C.
Other names: c.459A>G, p.Pro153= (NM_001384901.1, NM_001384902.1, NM_001384903.1 and 1 more transcripts).
Identifiers: ClinVar variation 3031487 (VCV003031487.2), dbSNP rs147788437, ClinGen allele CA4323738.